The following is an entry in ClinVar:

ClinVar aggregate classification (germline): Uncertain significance (1 of 4 stars; one submission).

Conditions:
Inborn genetic diseases. Identifiers: MedGen C0950123, MeSH D030342.

Submission:

Ambry Genetics
Classification: Uncertain significance for Inborn genetic diseases. Last evaluated: 2026-08-10. Review status: criteria provided, single submitter. Criteria: Ambry Variant Classification Scheme 2023. Collection method: clinical testing. Allele origin: germline.
Comment: The p.K595N variant (also known as c.1785A>C), located in coding exon 20 of the RTEL1 gene, results from an A to C substitution at nucleotide position 1785. The lysine at codon 595 is replaced by asparagine, an amino acid with similar properties. This amino acid position is conserved. In addition, this alteration is predicted to be tolerated by in silico analysis. Based on the available evidence, the clinical significance of this variant remains unclear.

NM_001283009.2(RTEL1):c.1785A>C (p.Lys595Asn)

Genes: RTEL1 (regulator of telomere elongation helicase 1; plus strand), RTEL1-TNFRSF6B (RTEL1-TNFRSF6B readthrough (NMD candidate); plus strand). Cytogenetic location: 20q13.33.
Variant type: single nucleotide variant.
Coding change: c.1785A>C on transcript NM_001283009.2 (MANE Select); coding-DNA position 1785, A replaced by C.
Protein change: p.Lys595Asn; replaces lysine 595 with asparagine.
Molecular consequence: missense variant. On other transcripts: non-coding transcript variant (1).
Genome position (GRCh38, 1-based): chr20:63,688,590, A>C. VCF-style: chr20-63688590-A-C. GRCh37 (hg19) VCF-style: chr20-62319943-A-C.
Other names: c.1116A>C, p.Lys372Asn (NM_001283010.1); c.1785A>C, p.Lys595Asn (NM_016434.4); c.1857A>C, p.Lys619Asn (NM_032957.5); short protein forms K619N, K372N, K595N.
Identifiers: ClinVar variation 5028505 (VCV005028505.1).